The following is an entry in ClinVar:

NM_006785.4(MALT1):c.1666G>A (p.Glu556Lys)

Gene: MALT1 (MALT1 paracaspase; plus strand). Cytogenetic location: 18q21.32.
Variant type: single nucleotide variant.
Coding change: c.1666G>A on transcript NM_006785.4 (MANE Select); coding-DNA position 1666, G replaced by A.
Protein change: p.Glu556Lys; replaces glutamic acid 556 with lysine.
Molecular consequence: missense variant.
Genome position (GRCh38, 1-based): chr18:58,741,927, G>A. VCF-style: chr18-58741927-G-A. GRCh37 (hg19) VCF-style: chr18-56409159-G-A.
Other names: c.1666G>A, p.Glu556Lys (LRG_1221t1); c.1633G>A, p.Glu545Lys (NM_173844.3); short protein forms E556K, E545K.
Identifiers: ClinVar variation 582852 (VCV000582852.8), dbSNP rs1568155735, ClinGen allele CA402575509.
Genomic context (GRCh38, chr18:58,741,927, plus strand): 5'-ATGGGTAAGTGTCACCTTACCAAAGGCAAACAGGCTCTAGAGATTCGAAGTAGTTTATCT[G>A]AGAAGAGAGCACTTACTGATCCAATACAGGGAACAGAATATTCTGCTGAATCTCTTGTGC-3'
Protein context (NP_006776.1, residues 546-566): QALEIRSSLS[Glu556Lys]KRALTDPIQG

ClinVar aggregate classification (germline): Uncertain significance (1 of 4 stars; one submission).

Conditions:
Combined immunodeficiency due to MALT1 deficiency. Also called: Immunodeficiency 12. Identifiers: Orphanet 397964, MedGen C3809583, MONDO:0014197, OMIM 615468.

Allele frequency attached by ClinVar (database versions not stated): gnomAD exomes below 0.00001.
gnomAD v4.1: 1 of 1,572,682 alleles (0.000064%); highest among the groups gnomAD compares: Non-Finnish European, 0.000087%; no homozygotes.

Submission:

Labcorp Genetics (formerly Invitae), Labcorp
Classification: Uncertain significance for Combined immunodeficiency due to MALT1 deficiency. Last evaluated: 2018-03-07. Review status: criteria provided, single submitter. Criteria: Invitae Variant Classification Sherloc (09022015). Collection method: clinical testing. Allele origin: germline.
Comment: This variant has not been reported in the literature in individuals with MALT1-related disease. This variant is not present in population databases (ExAC no frequency). This sequence change replaces glutamic acid with lysine at codon 556 of the MALT1 protein (p.Glu556Lys). The glutamic acid residue is highly conserved and there is a small physicochemical difference between glutamic acid and lysine. Algorithms developed to predict the effect of missense changes on protein structure and function do not agree on the potential impact of this missense change (SIFT: "Tolerated"; PolyPhen-2: "Probably Damaging"; Align-GVGD: "Class C0"). In summary, the available evidence is currently insufficient to determine the role of this variant in disease. Therefore, it has been classified as a Variant of Uncertain Significance.